The following is an entry in ClinVar:

ClinVar aggregate classification (germline): Uncertain significance (1 of 4 stars; one submission).

Conditions:
Hereditary cancer-predisposing syndrome. Also called: Neoplastic Syndromes, Hereditary; Tumor predisposition; Hereditary Cancer Syndrome; Hereditary neoplastic syndrome. Identifiers: Orphanet 140162, MedGen C0027672, MeSH D009386, MONDO:0015356.

Submission:

Color Diagnostics, LLC DBA Color Health
Classification: Uncertain significance for Hereditary cancer-predisposing syndrome. Last evaluated: 2025-03-24. Review status: criteria provided, single submitter. Criteria: ACMG Guidelines, 2015. Collection method: clinical testing. Allele origin: germline.
Comment: This missense variant replaces glutamic acid with glutamine at codon 1020 of the APC protein. Computational prediction suggests that this variant may not impact protein structure and function (internally defined REVEL score threshold <= 0.5, PMID: 27666373). To our knowledge, functional studies have not been reported for this variant. This variant has not been reported in individuals affected with APC-related disorders in the literature. This variant has not been identified in the general population by the Genome Aggregation Database (gnomAD). The available evidence is insufficient to determine the role of this variant in disease conclusively. Therefore, this variant is classified as a Variant of Uncertain Significance.

NM_000038.6(APC):c.3058G>C (p.Glu1020Gln)

Gene: APC (APC regulator of Wnt signaling pathway; plus strand). Cytogenetic location: 5q22.2.
Variant type: single nucleotide variant.
Coding change: c.3058G>C on transcript NM_000038.6 (MANE Select); coding-DNA position 3058, G replaced by C.
Protein change: p.Glu1020Gln; replaces glutamic acid 1020 with glutamine.
Molecular consequence: missense variant. On other transcripts: non-coding transcript variant (2).
Genome position (GRCh38, 1-based): chr5:112,838,652, G>C. VCF-style: chr5-112838652-G-C. GRCh37 (hg19) VCF-style: chr5-112174349-G-C.
Other names: c.3058G>C, p.Glu1020Gln (NM_001127510.3, NM_001354895.2, NM_001407450.1); c.3004G>C, p.Glu1002Gln (NM_001127511.3); c.3112G>C, p.Glu1038Gln (NM_001354896.2, NM_001407447.1, NM_001407448.1 and 1 more transcripts); c.3088G>C, p.Glu1030Gln (NM_001354897.2); c.2983G>C, p.Glu995Gln (NM_001354898.2); c.2974G>C, p.Glu992Gln (NM_001354899.2); c.2935G>C, p.Glu979Gln (NM_001354900.2); c.2881G>C, p.Glu961Gln (NM_001354901.2, NM_001407453.1); and 11 more; short protein forms E1002Q, E1010Q, E1013Q, E1020Q, E1030Q, E1038Q, E1048Q, E636Q.
Identifiers: ClinVar variation 3894268 (VCV003894268.1).